The following is an entry in ClinVar:

NM_002055.5(GFAP):c.840C>A (p.His280Gln)

Gene: GFAP (glial fibrillary acidic protein; minus strand). Cytogenetic location: 17q21.31.
Variant type: single nucleotide variant.
Coding change: c.840C>A on transcript NM_002055.5 (MANE Select); coding-DNA position 840, C replaced by A.
Protein change: p.His280Gln; replaces histidine 280 with glutamine.
Molecular consequence: missense variant.
Genome position (GRCh38, 1-based): chr17:44,911,738, G>T on the plus strand (C>A on the coding strand, the complement: GFAP is on the minus strand). VCF-style: chr17-44911738-G-T. GRCh37 (hg19) VCF-style: chr17-42989106-G-T.
Other names: c.840C>A, p.His280Gln (NM_001131019.3, NM_001242376.3, NM_001363846.2); short protein forms H280Q.
Identifiers: ClinVar variation 4717197 (VCV004717197.1).

ClinVar aggregate classification (germline): Uncertain significance (1 of 4 stars; one submission).

Submission:

Labcorp Genetics (formerly Invitae), Labcorp
Classification: Uncertain significance. Last evaluated: 2025-06-09. Review status: criteria provided, single submitter. Criteria: Invitae Variant Classification Sherloc (09022015). Collection method: clinical testing. Allele origin: germline.
Comment: This sequence change replaces histidine, which is basic and polar, with glutamine, which is neutral and polar, at codon 280 of the GFAP protein (p.His280Gln). This variant is present in population databases (rs766759277, gnomAD 0.02%). This variant has not been reported in the literature in individuals affected with GFAP-related conditions. Invitae Evidence Modeling of protein sequence and biophysical properties (such as structural, functional, and spatial information, amino acid conservation, physicochemical variation, residue mobility, and thermodynamic stability) indicates that this missense variant is not expected to disrupt GFAP protein function with a negative predictive value of 95%. In summary, the available evidence is currently insufficient to determine the role of this variant in disease. Therefore, it has been classified as a Variant of Uncertain Significance.